The following is an entry in ClinVar:

NM_000245.4(MET):c.3523-10T>C

Gene: MET (MET proto-oncogene, receptor tyrosine kinase; plus strand). Cytogenetic location: 7q31.2.
Variant type: single nucleotide variant.
Coding change: c.3523-10T>C on transcript NM_000245.4 (MANE Select); 10 bases into the intron before coding-DNA position 3523, T replaced by C.
Molecular consequence: intron variant.
Genome position (GRCh38, 1-based): chr7:116,781,978, T>C. VCF-style: chr7-116781978-T-C. GRCh37 (hg19) VCF-style: chr7-116422032-T-C.
Other names: c.3577-10T>C (NM_001127500.3); c.2233-10T>C (NM_001324402.2).
Identifiers: ClinVar variation 1662805 (VCV001662805.11), dbSNP rs2117059286, ClinGen allele CA2573141532.

ClinVar aggregate classification (germline): Conflicting classifications of pathogenicity. Review status: criteria provided, conflicting classifications (1 of 4 stars). 4 submissions from 4 submitters: Uncertain significance (1); Likely benign (3). Last evaluated 2025-03-04.

Conditions:
Renal cell carcinoma. Identifiers: Orphanet 217071, MedGen C0007134, MeSH D002292, MONDO:0005086, HP:0005584.
Papillary renal cell carcinoma type 1 (RCCP1). Also called: Renal adenocarcinoma; Renal cell carcinoma 1; Renal cell carcinoma, somatic; RENAL CELL CARCINOMA, PAPILLARY, 1, SOMATIC. Identifiers: Orphanet 47044, MedGen C1336839, OMIM 605074, HP:0011797.

Allele frequency attached by ClinVar (database versions not stated): gnomAD exomes below 0.00001.
gnomAD v4.1: 2 of 1,572,516 alleles (0.00013%); highest among the groups gnomAD compares: Non-Finnish European, 0.00018%; no homozygotes.

Submissions (4):

Center for Genomic Medicine, Rigshospitalet, Copenhagen University Hospital
Classification: Likely benign. Last evaluated: 2025-03-04. Review status: criteria provided, single submitter. Criteria: ACMG Guidelines, 2015. Collection method: clinical testing. Allele origin: germline.

Myriad Genetics, Inc.
Classification: Likely benign for Papillary renal cell carcinoma type 1. Last evaluated: 2024-11-13. Review status: criteria provided, single submitter. Criteria: Myriad Autosomal Dominant, Autosomal Recessive and X-Linked Classification Criteria (2023). Collection method: clinical testing. Allele origin: unknown.
Comment: This variant is considered likely benign. This variant is intronic and is not expected to impact mRNA splicing.

Labcorp Genetics (formerly Invitae), Labcorp
Classification: Likely benign for Renal cell carcinoma. Last evaluated: 2024-05-22. Review status: criteria provided, single submitter. Criteria: Invitae Variant Classification Sherloc (09022015). Collection method: clinical testing. Allele origin: germline.

GeneDx
Classification: Uncertain significance. Last evaluated: 2024-04-03. Review status: criteria provided, single submitter. Criteria: GeneDx Variant Classification Process June 2021. Collection method: clinical testing. Allele origin: germline. Affected: yes.
Comment: Not observed at significant frequency in large population cohorts (gnomAD); In silico analysis supports that this variant does not alter splicing; Has not been previously published as pathogenic or benign to our knowledge